The following is an entry in ClinVar:

ClinVar aggregate classification (germline): Uncertain significance (1 of 4 stars; one submission).

Conditions:
Hereditary cancer-predisposing syndrome. Also called: Tumor predisposition; Hereditary neoplastic syndrome; Hereditary Cancer Syndrome; Neoplastic Syndromes, Hereditary. Identifiers: Orphanet 140162, MedGen C0027672, MeSH D009386, MONDO:0015356.

Submission:

Ambry Genetics
Classification: Uncertain significance for Hereditary cancer-predisposing syndrome. Last evaluated: 2025-03-22. Review status: criteria provided, single submitter. Criteria: Ambry Variant Classification Scheme 2023. Collection method: clinical testing. Allele origin: germline.
Comment: The p.E767Q variant (also known as c.2299G>C), located in coding exon 20 of the POLE gene, results from a G to C substitution at nucleotide position 2299. The glutamic acid at codon 767 is replaced by glutamine, an amino acid with highly similar properties. This amino acid position is conserved. In addition, this alteration is predicted to be tolerated by in silico analysis. Based on the available evidence, the clinical significance of this variant remains unclear.

NM_006231.4(POLE):c.2299G>C (p.Glu767Gln)

Gene: POLE (DNA polymerase epsilon, catalytic subunit; minus strand). Cytogenetic location: 12q24.33.
Variant type: single nucleotide variant.
Coding change: c.2299G>C on transcript NM_006231.4 (MANE Select); coding-DNA position 2299, G replaced by C.
Protein change: p.Glu767Gln; replaces glutamic acid 767 with glutamine.
Molecular consequence: missense variant.
Genome position (GRCh38, 1-based): chr12:132,667,523, C>G on the plus strand (G>C on the coding strand, the complement: POLE is on the minus strand). VCF-style: chr12-132667523-C-G. GRCh37 (hg19) VCF-style: chr12-133244109-C-G.
Other names: short protein forms E767Q.
Identifiers: ClinVar variation 3935703 (VCV003935703.1).